The following is an entry in ClinVar:

NM_000245.4(MET):c.2736G>A (p.Lys912=)

Gene: MET (MET proto-oncogene, receptor tyrosine kinase; plus strand). Cytogenetic location: 7q31.2.
Variant type: single nucleotide variant.
Coding change: c.2736G>A on transcript NM_000245.4 (MANE Select); coding-DNA position 2736, G replaced by A.
Protein change: p.Lys912=; no amino-acid change (lysine 912 retained).
Molecular consequence: synonymous variant.
Genome position (GRCh38, 1-based): chr7:116,771,503, G>A. VCF-style: chr7-116771503-G-A. GRCh37 (hg19) VCF-style: chr7-116411557-G-A.
Other names: c.2790G>A, p.Lys930= (NM_001127500.3); c.1446G>A, p.Lys482= (NM_001324402.2).
Identifiers: ClinVar variation 3773174 (VCV003773174.2).

ClinVar aggregate classification (germline): Benign/Likely benign. Review status: criteria provided, multiple submitters, no conflicts (2 of 4 stars). 2 submissions from 2 submitters: Benign (1); Likely benign (1). Last evaluated 2025-09-08.

Conditions:
Renal cell carcinoma. Identifiers: Orphanet 217071, MedGen C0007134, MeSH D002292, MONDO:0005086, HP:0005584.
Papillary renal cell carcinoma type 1 (RCCP1). Also called: Renal adenocarcinoma; Renal cell carcinoma 1; Renal cell carcinoma, somatic; RENAL CELL CARCINOMA, PAPILLARY, 1, SOMATIC. Identifiers: Orphanet 47044, MedGen C1336839, OMIM 605074, HP:0011797.

Submissions (2):

Labcorp Genetics (formerly Invitae), Labcorp
Classification: Likely benign for Renal cell carcinoma. Last evaluated: 2025-09-08. Review status: criteria provided, single submitter. Criteria: Invitae Variant Classification Sherloc (09022015). Collection method: clinical testing. Allele origin: germline.

Myriad Genetics, Inc.
Classification: Benign for Papillary renal cell carcinoma type 1. Last evaluated: 2024-11-12. Review status: criteria provided, single submitter. Criteria: Myriad Autosomal Dominant, Autosomal Recessive and X-Linked Classification Criteria (2023). Collection method: clinical testing. Allele origin: unknown.
Comment: This variant is considered benign. This variant is a silent/synonymous amino acid change and it is not expected to impact splicing.